The following is an entry in ClinVar:

NM_000100.4(CSTB):c.55A>G (p.Ile19Val)

Genes: CSTB (cystatin B; minus strand), LOC130066788 (ATAC-STARR-seq lymphoblastoid silent region 13368; plus strand). Cytogenetic location: 21q22.3.
Variant type: single nucleotide variant.
Coding change: c.55A>G on transcript NM_000100.4 (MANE Select); coding-DNA position 55, A replaced by G.
Protein change: p.Ile19Val; replaces isoleucine 19 with valine.
Molecular consequence: missense variant.
Genome position (GRCh38, 1-based): chr21:43,776,215, T>C on the plus strand (A>G on the coding strand, the complement: CSTB is on the minus strand). VCF-style: chr21-43776215-T-C. GRCh37 (hg19) VCF-style: chr21-45196096-T-C.
Other names: short protein forms I19V.
Identifiers: ClinVar variation 575503 (VCV000575503.9), dbSNP rs1349028244, ClinGen allele CA410408610.
Genomic context (GRCh38, chr21:43,776,215, plus strand): 5'-GAGGCTAAGGCAGGACTCCGGGCCGGCCCCGTCCCCGCGGCCCACCCACCTGGTCGGCGA[T>C]GTGCTGGGTCTCGGCGGTGGCCGGCTGCGTGGCGGAGGGCGCCCCGCACATCATCTTGGC-3'
Protein context (NP_000091.1, residues 9-29): TQPATAETQH[Ile19Val]ADQVRSQLEE

ClinVar aggregate classification (germline): Uncertain significance (1 of 4 stars; one submission).

Conditions:
Progressive myoclonic epilepsy. Also called: Familial progressive myoclonic epilepsy; Progressive myoclonus epilepsy; Myoclonus epilepsy; Myoclonic Epilepsies, Progressive. Identifiers: Orphanet 308, Orphanet 98261, MedGen C0751778, MONDO:0020074.

Allele frequency attached by ClinVar (database versions not stated): gnomAD exomes below 0.00001; TOPMed below 0.00001.
gnomAD v4.1: 5 of 1,532,814 alleles (0.00033%); highest among the groups gnomAD compares: South Asian, 0.0024%; no homozygotes.

Submission:

Labcorp Genetics (formerly Invitae), Labcorp
Classification: Uncertain significance for Progressive myoclonic epilepsy. Last evaluated: 2022-10-13. Review status: criteria provided, single submitter. Criteria: Invitae Variant Classification Sherloc (09022015). Collection method: clinical testing. Allele origin: germline.
Comment: In summary, the available evidence is currently insufficient to determine the role of this variant in disease. Therefore, it has been classified as a Variant of Uncertain Significance. Algorithms developed to predict the effect of missense changes on protein structure and function (SIFT, PolyPhen-2, Align-GVGD) all suggest that this variant is likely to be tolerated. ClinVar contains an entry for this variant (Variation ID: 575503). This variant has not been reported in the literature in individuals affected with CSTB-related conditions. This variant is not present in population databases (gnomAD no frequency). This sequence change replaces isoleucine, which is neutral and non-polar, with valine, which is neutral and non-polar, at codon 19 of the CSTB protein (p.Ile19Val).